The following is an entry in ClinVar:

ClinVar aggregate classification (germline): Uncertain significance (1 of 4 stars; one submission).

Submission:

GeneDx
Classification: Uncertain significance. Last evaluated: 2026-03-03. Review status: criteria provided, single submitter. Criteria: GeneDx Variant Classification Process June 2021. Collection method: clinical testing. Allele origin: germline.
Comment: In silico analysis supports that this missense variant has a deleterious effect on protein structure/function; Not observed at significant frequency in large population cohorts (gnomAD); Has not been previously published as pathogenic or benign to our knowledge; This variant is associated with the following publications: (PMID: 19926015)

NM_001035.3(RYR2):c.14590G>A (p.Gly4864Ser)

Gene: RYR2 (ryanodine receptor 2; plus strand). Cytogenetic location: 1q43.
Variant type: single nucleotide variant.
Coding change: c.14590G>A on transcript NM_001035.3 (MANE Select); coding-DNA position 14590, G replaced by A.
Protein change: p.Gly4864Ser; replaces glycine 4864 with serine.
Molecular consequence: missense variant.
Genome position (GRCh38, 1-based): chr1:237,819,192, G>A. VCF-style: chr1-237819192-G-A. GRCh37 (hg19) VCF-style: chr1-237982492-G-A.
Other names: short protein forms G4864S.
Identifiers: ClinVar variation 4975072 (VCV004975072.1).